The following is an entry in ClinVar:

NM_003002.4(SDHD):c.397G>A (p.Ala133Thr)

Gene: SDHD (succinate dehydrogenase complex subunit D; plus strand). Cytogenetic location: 11q23.1.
Variant type: single nucleotide variant.
Coding change: c.397G>A on transcript NM_003002.4 (MANE Select); coding-DNA position 397, G replaced by A.
Protein change: p.Ala133Thr; replaces alanine 133 with threonine.
Molecular consequence: missense variant. On other transcripts: synonymous variant (1), 3 prime UTR variant (1), non-coding transcript variant (1).
Genome position (GRCh38, 1-based): chr11:112,094,887, G>A. VCF-style: chr11-112094887-G-A. GRCh37 (hg19) VCF-style: chr11-111965611-G-A.
Other names: c.397G>A (NM_003002.2); c.252G>A, p.Gln84= (NM_001276503.2); c.280G>A, p.Ala94Thr (NM_001276504.2); c.*95G>A (NM_001276506.2); short protein forms A133T, A94T.
Identifiers: ClinVar variation 465236 (VCV000465236.8), dbSNP rs1060503774, ClinGen allele CA382619205.
Genomic context (GRCh38, chr11:112,094,887, plus strand): 5'-GACTATGTTCATGGGGATGCCTTGCAGAAAGCTGCCAAGGCAGGGCTTTTGGCACTTTCA[G>A]CTTTAACCTTTGCTGGGCTTTGCTATTTCAACTATCACGATGTGGGCATCTGCAAAGCTG-3'
Protein context (NP_002993.1, residues 123-143): AAKAGLLALS[Ala133Thr]LTFAGLCYFN

ClinVar aggregate classification (germline): Uncertain significance. Review status: criteria provided, multiple submitters, no conflicts (2 of 4 stars). 2 submissions from 2 submitters: Uncertain significance (2). Last evaluated 2023-12-29.

Conditions:
Hereditary cancer-predisposing syndrome. Also called: Neoplastic Syndromes, Hereditary; Tumor predisposition; Hereditary Cancer Syndrome; Hereditary neoplastic syndrome. Identifiers: Orphanet 140162, MedGen C0027672, MeSH D009386, MONDO:0015356.
Pheochromocytoma. Also called: MAX-Related Hereditary Paraganglioma-Pheochromocytoma Syndrome. Identifiers: Orphanet 29072, MedGen C0031511, MONDO:0008233, OMIM 171300, HP:0002666.
Carney-Stratakis syndrome. Also called: PARAGANGLIOMA AND GASTROINTESTINAL STROMAL TUMOR. Identifiers: Orphanet 97286, MedGen C1847319, MONDO:0011740, OMIM 606864.
Cowden syndrome 3 (CWS3). Identifiers: Orphanet 201, MedGen CN166604, MONDO:0014045.
Paragangliomas with sensorineural hearing loss. Identifiers: MedGen C1868633.

Submissions (2):

Ambry Genetics
Classification: Uncertain significance for Hereditary cancer-predisposing syndrome. Last evaluated: 2023-12-29. Review status: criteria provided, single submitter. Criteria: Ambry Variant Classification Scheme 2023. Collection method: clinical testing. Allele origin: germline.
Comment: The p.A133T variant (also known as c.397G>A), located in coding exon 4 of the SDHD gene, results from a G to A substitution at nucleotide position 397. The alanine at codon 133 is replaced by threonine, an amino acid with similar properties. This amino acid position is conserved. In addition, the in silico prediction for this alteration is inconclusive. Since supporting evidence is limited at this time, the clinical significance of this alteration remains unclear.

Labcorp Genetics (formerly Invitae), Labcorp
Classification: Uncertain significance for Carney-Stratakis syndrome; Paragangliomas with sensorineural hearing loss; Pheochromocytoma; Cowden syndrome 3. Last evaluated: 2023-09-08. Review status: criteria provided, single submitter. Criteria: Invitae Variant Classification Sherloc (09022015). Collection method: clinical testing. Allele origin: germline.
Comment: This variant has not been reported in the literature in individuals affected with SDHD-related conditions. In summary, the available evidence is currently insufficient to determine the role of this variant in disease. Therefore, it has been classified as a Variant of Uncertain Significance. Advanced modeling of protein sequence and biophysical properties (such as structural, functional, and spatial information, amino acid conservation, physicochemical variation, residue mobility, and thermodynamic stability) has been performed at Invitae for this missense variant, however the output from this modeling did not meet the statistical confidence thresholds required to predict the impact of this variant on SDHD protein function. ClinVar contains an entry for this variant (Variation ID: 465236). This variant is not present in population databases (gnomAD no frequency). This sequence change replaces alanine, which is neutral and non-polar, with threonine, which is neutral and polar, at codon 133 of the SDHD protein (p.Ala133Thr).